The following is an entry in ClinVar:

NM_001401501.2(MUC16):c.7991C>T (p.Thr2664Met)

Gene: MUC16 (mucin 16, cell surface associated; minus strand). Cytogenetic location: 19p13.2.
Variant type: single nucleotide variant.
Coding change: c.7991C>T on transcript NM_001401501.2 (MANE Select); coding-DNA position 7991, C replaced by T.
Protein change: p.Thr2664Met; replaces threonine 2664 with methionine.
Molecular consequence: missense variant.
Genome position (GRCh38, 1-based): chr19:8,973,268, G>A on the plus strand (C>T on the coding strand, the complement: MUC16 is on the minus strand). VCF-style: chr19-8973268-G-A. GRCh37 (hg19) VCF-style: chr19-9083944-G-A.
Other names: c.8417C>T, p.Thr2806Met (NM_001414686.1); c.7871C>T, p.Thr2624Met (NM_001414687.1, NM_024690.2); short protein forms T2624M, T2664M, T2806M.
Identifiers: ClinVar variation 3050262 (VCV003050262.2), dbSNP rs144088703, ClinGen allele CA9172088.

ClinVar aggregate classification (germline): Benign (0 of 4 stars; one submission).

Conditions:
MUC16-related disorder. Also called: MUC16-related condition.

Allele frequency attached by ClinVar (database versions not stated): TOPMed 0.00053; ESP Exome Variant Server 0.00058; gnomAD exomes 0.00117; 1000 Genomes Project 30x 0.00125; 1000 Genomes Project 0.00160; gnomAD 0.00198; ExAC 0.00238.

Submission:

PreventionGenetics, part of Exact Sciences
Classification: Benign for MUC16-related condition. Last evaluated: 2020-02-18. Review status: no assertion criteria provided. Collection method: clinical testing. Allele origin: germline.
Comment: This variant is classified as benign based on ACMG/AMP sequence variant interpretation guidelines (Richards et al. 2015 PMID: 25741868, with internal and published modifications).